The following is an entry in ClinVar:

ClinVar aggregate classification (germline): Likely pathogenic (1 of 4 stars; one submission).

Conditions:
Microcephaly 5, primary, autosomal recessive (MCPH5). Also called: ASPM Primary Microcephaly. Identifiers: Orphanet 2512, MedGen C1837501, MONDO:0012106, OMIM 608716.

gnomAD v4.1: 1 of 1,613,092 alleles (0.000062%); highest among the groups gnomAD compares: Non-Finnish European, 0.000085%; no homozygotes.

Submission:

Center of Genomic medicine, Geneva, University Hospital of Geneva
Classification: Likely pathogenic for Microcephaly 5, primary, autosomal recessive. Last evaluated: 2016-04-28. Review status: criteria provided, single submitter. Criteria: ACMG Guidelines, 2015. Collection method: clinical testing. Allele origin: maternal. Affected: yes.

NM_018136.5(ASPM):c.9923G>T (p.Arg3308Leu)

Gene: ASPM (assembly factor for spindle microtubules; minus strand). Cytogenetic location: 1q31.3.
Variant type: single nucleotide variant.
Coding change: c.9923G>T on transcript NM_018136.5 (MANE Select); coding-DNA position 9923, G replaced by T.
Protein change: p.Arg3308Leu; replaces arginine 3308 with leucine.
Molecular consequence: missense variant.
Genome position (GRCh38, 1-based): chr1:197,089,991, C>A on the plus strand (G>T on the coding strand, the complement: ASPM is on the minus strand). VCF-style: chr1-197089991-C-A. GRCh37 (hg19) VCF-style: chr1-197059121-C-A.
Other names: c.5168G>T, p.Arg1723Leu (NM_001206846.2); short protein forms R3308L, R1723L.
Identifiers: ClinVar variation 375460 (VCV000375460.2), dbSNP rs201362977, ClinGen allele CA16044274.